The following is an entry in ClinVar:

NM_020719.3(PRR12):c.4280C>T (p.Ala1427Val)

Gene: PRR12 (proline rich 12; plus strand). Cytogenetic location: 19q13.33.
Variant type: single nucleotide variant.
Coding change: c.4280C>T on transcript NM_020719.3 (MANE Select); coding-DNA position 4280, C replaced by T.
Protein change: p.Ala1427Val; replaces alanine 1427 with valine.
Molecular consequence: missense variant.
Genome position (GRCh38, 1-based): chr19:49,599,873, C>T. VCF-style: chr19-49599873-C-T. GRCh37 (hg19) VCF-style: chr19-50103130-C-T.
Other names: c.4280C>T (NM_020719.1); short protein forms A1427V.
Identifiers: ClinVar variation 3036698 (VCV003036698.20), dbSNP rs771665064, ClinGen allele CA9578438.

ClinVar aggregate classification (germline): Likely benign. Review status: criteria provided, multiple submitters, no conflicts (2 of 4 stars). 3 submissions from 3 submitters: Likely benign (2). 1 of the submissions does not count toward it. Last evaluated 2024-10-07.

Conditions:
PRR12-related disorder. Also called: PRR12-related condition.
Inborn genetic diseases. Identifiers: MedGen C0950123, MeSH D030342.

Allele frequency attached by ClinVar (database versions not stated): TOPMed 0.00003; gnomAD 0.00011; ExAC 0.00016.
gnomAD v4.1: 171 of 1,612,726 alleles (0.011%); highest among the groups gnomAD compares: South Asian, 0.17%; 1 homozygote.

Submissions (3):

Ambry Genetics
Classification: Likely benign for Inborn genetic diseases. Last evaluated: 2024-10-07. Review status: criteria provided, single submitter. Criteria: Ambry Variant Classification Scheme 2023. Collection method: clinical testing. Allele origin: germline.

CeGaT Center for Human Genetics Tuebingen
Classification: Likely benign. Last evaluated: 2024-06-01. Review status: criteria provided, single submitter. Criteria: CeGaT Center For Human Genetics Tuebingen Variant Classification Criteria Version 2. Collection method: clinical testing. Allele origin: germline. Affected: yes. Observed: 1 variant allele.
Comment: PRR12: BP4, BS1

PreventionGenetics, part of Exact Sciences
Classification: Likely benign for PRR12-related condition. Last evaluated: 2022-06-09. Review status: no assertion criteria provided. Collection method: clinical testing. Allele origin: germline. Not counted in ClinVar's aggregate classification.
Comment: This variant is classified as likely benign based on ACMG/AMP sequence variant interpretation guidelines (Richards et al. 2015 PMID: 25741868, with internal and published modifications).